The following is an entry in ClinVar:

NM_000075.4(CDK4):c.612T>C (p.Phe204=)

Gene: CDK4 (cyclin dependent kinase 4; minus strand). Cytogenetic location: 12q14.1.
Variant type: single nucleotide variant.
Coding change: c.612T>C on transcript NM_000075.4 (MANE Select); coding-DNA position 612, T replaced by C.
Protein change: p.Phe204=; no amino-acid change (phenylalanine 204 retained).
Molecular consequence: synonymous variant.
Genome position (GRCh38, 1-based): chr12:57,750,676, A>G on the plus strand (T>C on the coding strand, the complement: CDK4 is on the minus strand). VCF-style: chr12-57750676-A-G. GRCh37 (hg19) VCF-style: chr12-58144459-A-G.
Identifiers: ClinVar variation 483302 (VCV000483302.15), dbSNP rs1555201266, ClinGen allele CA480301025.

ClinVar aggregate classification (germline): Benign/Likely benign. Review status: criteria provided, multiple submitters, no conflicts (2 of 4 stars). 3 submissions from 3 submitters: Benign (1); Likely benign (2). Last evaluated 2025-04-27.

Conditions:
Familial melanoma. Also called: Hereditary melanoma; Hereditary cutaneous melanoma. Identifiers: Orphanet 618, MedGen C1512419, MONDO:0018961.
Hereditary cancer-predisposing syndrome. Also called: Neoplastic Syndromes, Hereditary; Tumor predisposition; Hereditary Cancer Syndrome; Hereditary neoplastic syndrome. Identifiers: Orphanet 140162, MedGen C0027672, MeSH D009386, MONDO:0015356.
Melanoma, cutaneous malignant, susceptibility to, 3. Also called: Cutaneous malignant melanoma 3. Identifiers: Orphanet 618, MedGen C1836892, MONDO:0012183, OMIM 609048.

gnomAD v4.1: 1 of 1,613,720 alleles (0.000062%); no homozygotes.

Submissions (3):

Labcorp Genetics (formerly Invitae), Labcorp
Classification: Likely benign for Familial melanoma. Last evaluated: 2025-04-27. Review status: criteria provided, single submitter. Criteria: Invitae Variant Classification Sherloc (09022015). Collection method: clinical testing. Allele origin: germline.

Myriad Genetics, Inc.
Classification: Benign for Melanoma, cutaneous malignant, susceptibility to, 3. Last evaluated: 2024-09-26. Review status: criteria provided, single submitter. Criteria: Myriad Autosomal Dominant, Autosomal Recessive and X-Linked Classification Criteria (2023). Collection method: clinical testing. Allele origin: unknown.
Comment: This variant is considered benign. This variant is a silent/synonymous amino acid change and it is not expected to impact splicing.

Ambry Genetics
Classification: Likely benign for Hereditary cancer-predisposing syndrome. Last evaluated: 2016-08-08. Review status: criteria provided, single submitter. Criteria: Ambry Variant Classification Scheme 2023. Collection method: clinical testing. Allele origin: germline.